The following is an entry in ClinVar:

NM_030665.4(RAI1):c.722C>G (p.Ala241Gly)

Gene: RAI1 (retinoic acid induced 1; plus strand). Cytogenetic location: 17p11.2.
Variant type: single nucleotide variant.
Coding change: c.722C>G on transcript NM_030665.4 (MANE Select); coding-DNA position 722, C replaced by G.
Protein change: p.Ala241Gly; replaces alanine 241 with glycine.
Molecular consequence: missense variant.
Genome position (GRCh38, 1-based): chr17:17,793,670, C>G. VCF-style: chr17-17793670-C-G. GRCh37 (hg19) VCF-style: chr17-17696984-C-G.
Other names: short protein forms A241G.
Identifiers: ClinVar variation 4282354 (VCV004282354.1).
Genomic context (GRCh38, chr17:17,793,670, plus strand): 5'-CCTACTCCTCCTCTGTCCAGGGTGGTGGGCAGGGGGCCCACTCCTATAAGAGTTGCACAG[C>G]ACCGACTGCCCAGCCCCATGACAGGCCGCTGACTGCCAGCTCCAGCCTGGCCCCGGGGCA-3'
Protein context (NP_109590.3, residues 231-251): QGAHSYKSCT[Ala241Gly]PTAQPHDRPL

ClinVar aggregate classification (germline): Likely pathogenic (1 of 4 stars; one submission).

Submission:

GeneDx
Classification: Likely pathogenic. Last evaluated: 2025-04-17. Review status: criteria provided, single submitter. Criteria: GeneDx Variant Classification Process June 2021. Collection method: clinical testing. Allele origin: germline. Affected: yes.
Comment: Not observed at significant frequency in large population cohorts (gnomAD); In silico analysis supports that this missense variant has a deleterious effect on protein structure/function; Has not been previously published as pathogenic or benign to our knowledge